The following is an entry in ClinVar:

NM_133433.4(NIPBL):c.824C>T (p.Pro275Leu)

Gene: NIPBL (NIPBL cohesin loading factor; plus strand). Cytogenetic location: 5p13.2.
Variant type: single nucleotide variant.
Coding change: c.824C>T on transcript NM_133433.4 (MANE Select); coding-DNA position 824, C replaced by T.
Protein change: p.Pro275Leu; replaces proline 275 with leucine.
Molecular consequence: missense variant.
Genome position (GRCh38, 1-based): chr5:36,971,997, C>T. VCF-style: chr5-36971997-C-T. GRCh37 (hg19) VCF-style: chr5-36972099-C-T.
Other names: c.824C>T, p.Pro275Leu (NM_015384.5); short protein forms P275L.
Identifiers: ClinVar variation 2191132 (VCV002191132.2), dbSNP rs1221501341, ClinGen allele CA359480394.

ClinVar aggregate classification (germline): Uncertain significance (1 of 4 stars; one submission).

Conditions:
Cornelia de Lange syndrome 1 (CDLS1). Also called: TYPUS DEGENERATIVUS AMSTELODAMENSIS; NIPBL-Related Cornelia de Lange Syndrome; Brachmann de Lange syndrome. Identifiers: Orphanet 199, MedGen C4551851, MONDO:0007387, OMIM 122470.

Allele frequency attached by ClinVar (database versions not stated): gnomAD 0.00001; TOPMed 0.00001.
gnomAD v4.1: 1 of 1,613,438 alleles (0.000062%); highest among the groups gnomAD compares: African/African-American, 0.0013%; no homozygotes.

Submission:

Labcorp Genetics (formerly Invitae), Labcorp
Classification: Uncertain significance for Cornelia de Lange syndrome 1. Last evaluated: 2023-08-27. Review status: criteria provided, single submitter. Criteria: Invitae Variant Classification Sherloc (09022015). Collection method: clinical testing. Allele origin: germline.
Comment: Advanced modeling of protein sequence and biophysical properties (such as structural, functional, and spatial information, amino acid conservation, physicochemical variation, residue mobility, and thermodynamic stability) has been performed at Invitae for this missense variant, however the output from this modeling did not meet the statistical confidence thresholds required to predict the impact of this variant on NIPBL protein function. In summary, the available evidence is currently insufficient to determine the role of this variant in disease. Therefore, it has been classified as a Variant of Uncertain Significance. ClinVar contains an entry for this variant (Variation ID: 2191132). This variant has not been reported in the literature in individuals affected with NIPBL-related conditions. This variant is not present in population databases (gnomAD no frequency). This sequence change replaces proline, which is neutral and non-polar, with leucine, which is neutral and non-polar, at codon 275 of the NIPBL protein (p.Pro275Leu).